The following is an entry in ClinVar:

ClinVar aggregate classification (germline): Pathogenic (1 of 4 stars; one submission).

Submission:

GeneDx
Classification: Pathogenic. Last evaluated: 2023-03-01. Review status: criteria provided, single submitter. Criteria: GeneDx Variant Classification Process June 2021. Collection method: clinical testing. Allele origin: germline.
Comment: Reported with a second variant on the opposite allele in a fetus with polycystic kidney disease in published literature (Hu et al., 2021); Canonical splice site variant predicted to result in a null allele in a gene for which loss of function is a known mechanism of disease; Not observed at significant frequency in large population cohorts (gnomAD); This variant is associated with the following publications: (PMID: 34032358)

NM_001009944.3(PKD1):c.1386-2A>G

Gene: PKD1 (polycystin 1, transient receptor potential channel interacting; minus strand). Cytogenetic location: 16p13.3.
Variant type: single nucleotide variant.
Coding change: c.1386-2A>G on transcript NM_001009944.3 (MANE Select); the canonical splice acceptor site of the intron before coding-DNA position 1386, A replaced by G.
Molecular consequence: splice acceptor variant.
Genome position (GRCh38, 1-based): chr16:2,117,055, T>C on the plus strand (A>G on the coding strand, the complement: PKD1 is on the minus strand). VCF-style: chr16-2117055-T-C. GRCh37 (hg19) VCF-style: chr16-2167056-T-C.
Other names: c.1386-2A>G (NM_000296.4).
Identifiers: ClinVar variation 1810711 (VCV001810711.2), dbSNP rs2544872834, ClinGen allele CA394392303.